The following is an entry in ClinVar:

NM_004999.4(MYO6):c.3376del (p.Thr1126fs)

Gene: MYO6 (myosin VI; plus strand). Cytogenetic location: 6q14.1.
Variant type: Deletion.
Coding change: c.3376del on transcript NM_004999.4 (MANE Select); coding-DNA position 3376, one base deleted (A; older notation c.3376delA).
Protein change: p.Thr1126fs; shifts the reading frame from threonine 1126.
Molecular consequence: frameshift variant. On other transcripts: non-coding transcript variant (1).
Genome position (GRCh38, 1-based): chr6:75,908,591, A deleted; the last of 3 consecutive A bases (chr6:75,908,589-75,908,591); deleting any one gives the same sequence. VCF-style (leftmost placement, unchanged base first): chr6-75908588-GA-G. GRCh37 (hg19) VCF-style: chr6-76618305-GA-G.
Other names: c.3307del, p.Thr1103fs (NM_001300899.2, NM_001368136.1); c.3364del, p.Thr1122fs (NM_001368137.1); c.3292del, p.Thr1098fs (NM_001368138.1); c.3403del, p.Thr1135fs (NM_001368865.1, NM_001368866.1); short protein forms T1098fs, T1103fs, T1126fs, T1122fs, T1135fs.
Identifiers: ClinVar variation 2021491 (VCV002021491.4), dbSNP rs2535770989, ClinGen allele CA2580075841.
Genomic context (GRCh38, chr6:75,908,588, plus strand): 5'-TTTCATAGGAGACTAAAAGTGTATCATGCTTGGAAATCTAAGAACAAGAAGAGAAATACT[GA>G]AACAGAGCAACGTGCTCCAAAGTCTGTTACTGATTATGGTAAAGAGAAATCTGTACTTTT-3'

ClinVar aggregate classification (germline): Pathogenic (1 of 4 stars; one submission).

Submission:

Labcorp Genetics (formerly Invitae), Labcorp
Classification: Pathogenic. Last evaluated: 2022-08-04. Review status: criteria provided, single submitter. Criteria: Invitae Variant Classification Sherloc (09022015). Collection method: clinical testing. Allele origin: germline.
Comment: For these reasons, this variant has been classified as Pathogenic. This variant has not been reported in the literature in individuals affected with MYO6-related conditions. This variant is not present in population databases (gnomAD no frequency). This sequence change creates a premature translational stop signal (p.Thr1126Glnfs*18) in the MYO6 gene. It is expected to result in an absent or disrupted protein product. Loss-of-function variants in MYO6 are known to be pathogenic (PMID: 12687499, 18348273, 23767834, 25999546, 30582396).

Literature cited by the submitters: PubMed 12687499; PubMed 18348273; PubMed 23767834; PubMed 25999546; PubMed 30582396.